The following is an entry in ClinVar:

NM_033305.3(VPS13A):c.3433del (p.Val1145fs)

Gene: VPS13A (vacuolar protein sorting 13 homolog A; plus strand). Cytogenetic location: 9q21.2.
Variant type: Deletion.
Coding change: c.3433del on transcript NM_033305.3 (MANE Select); coding-DNA position 3433, one base deleted (G; older notation c.3433delG).
Protein change: p.Val1145fs; shifts the reading frame from valine 1145.
Molecular consequence: frameshift variant.
Genome position (GRCh38, 1-based): chr9:77,293,434, G deleted; the last of 2 consecutive G bases (chr9:77,293,433-77,293,434); deleting either gives the same sequence. VCF-style (leftmost placement, unchanged base first): chr9-77293432-TG-T. GRCh37 (hg19) VCF-style: chr9-79908348-TG-T.
Other names: c.3316del, p.Val1106fs (NM_001018037.2); c.3433del, p.Val1145fs (NM_001018038.3, NM_015186.4); short protein forms V1106fs, V1145fs.
Identifiers: ClinVar variation 5012915 (VCV005012915.1).
Genomic context (GRCh38, chr9:77,293,432, plus strand): 5'-GCTTCAAAATGGTTTCTTACATGGATGCAACTGCTGGTTCTGCATACACAGATATGAATG[TG>T]GTTGACATTCAGGTTAATTTAATAGTTGGTTGCATTGAAGTAGTTTTTGTCACGAAATTT-3'

ClinVar aggregate classification (germline): Pathogenic (1 of 4 stars; one submission).

Conditions:
VPS13A-related neurodegenerative disease. Also called: ACANTHOCYTOSIS WITH NEUROLOGIC DISORDER; LEVINE-CRITCHLEY SYNDROME; Choreoacanthocytosis; Chorea-acanthocytosis; Choreaacanthocytosis; VPS13A Disease. Identifiers: Orphanet 2388, MedGen C0393576, MONDO:0008695, OMIM 200150.

Submission:

Myriad Genetics, Inc.
Classification: Pathogenic for VPS13A-related neurodegenerative disease. Last evaluated: 2024-04-11. Review status: criteria provided, single submitter. Criteria: Myriad Autosomal Dominant, Autosomal Recessive and X-Linked Classification Criteria (2023). Collection method: clinical testing. Allele origin: unknown.
Comment: NM_033305.2(VPS13A):c.3433delG(V1145Lfs*7) is expected to be pathogenic in the context of VPS13A disease. This variant is predicted to lead to an abnormal or absent protein product due to the creation of a premature termination codon in VPS13A, a gene where loss-of-function variants are known to be pathogenic. Please note: this variant was assessed in the context of healthy population screening.